The following is an entry in ClinVar:

ClinVar aggregate classification (germline): Pathogenic (1 of 4 stars; one submission).

Submission:

Labcorp Genetics (formerly Invitae), Labcorp
Classification: Pathogenic. Last evaluated: 2025-12-01. Review status: criteria provided, single submitter. Criteria: Invitae Variant Classification Sherloc (09022015). Collection method: clinical testing. Allele origin: germline.
Comment: This sequence change creates a premature translational stop signal (p.Arg246Aspfs*15) in the CAD gene. It is expected to result in an absent or disrupted protein product. Loss-of-function variants in CAD are known to be pathogenic (PMID: 28007989, 32117025, 32820246, 33497533). This variant is not present in population databases (gnomAD no frequency). This variant has not been reported in the literature in individuals affected with CAD-related conditions. Algorithms developed to predict the effect of sequence changes on RNA splicing suggest that this variant may disrupt the consensus splice site. For these reasons, this variant has been classified as Pathogenic.

Literature cited by the submitters: PubMed 28007989; PubMed 32117025; PubMed 32820246; PubMed 33497533.

NM_004341.5(CAD):c.736del (p.Arg246fs)

Gene: CAD (carbamoyl-phosphate synthetase 2, aspartate transcarbamylase, and dihydroorotase; plus strand). Cytogenetic location: 2p23.3.
Variant type: Deletion.
Coding change: c.736del on transcript NM_004341.5 (MANE Select); coding-DNA position 736, one base deleted (C; older notation c.736delC).
Protein change: p.Arg246fs; shifts the reading frame from arginine 246.
Molecular consequence: frameshift variant.
Genome position (GRCh38, 1-based): chr2:27,222,964, C deleted; the last of 4 consecutive C bases (chr2:27,222,961-27,222,964); deleting any one gives the same sequence. VCF-style (leftmost placement, unchanged base first): chr2-27222960-TC-T. GRCh37 (hg19) VCF-style: chr2-27445828-TC-T.
Other names: c.736del, p.Arg246fs (NM_001306079.2); short protein forms R246fs.
Identifiers: ClinVar variation 4731162 (VCV004731162.1).